The following is an entry in ClinVar:

NM_005157.6(ABL1):c.2399A>G (p.Asp800Gly)

Gene: ABL1 (ABL proto-oncogene 1, non-receptor tyrosine kinase; plus strand). Cytogenetic location: 9q34.12.
Variant type: single nucleotide variant.
Coding change: c.2399A>G on transcript NM_005157.6 (MANE Select); coding-DNA position 2399, A replaced by G.
Protein change: p.Asp800Gly; replaces aspartic acid 800 with glycine.
Molecular consequence: missense variant.
Genome position (GRCh38, 1-based): chr9:130,884,689, A>G. VCF-style: chr9-130884689-A-G. GRCh37 (hg19) VCF-style: chr9-133760076-A-G.
Other names: c.2456A>G (NM_007313.2); c.2456A>G, p.Asp819Gly (NM_007313.3); short protein forms D819G, D800G.
Identifiers: ClinVar variation 1964377 (VCV001964377.3), dbSNP rs1321322843, ClinGen allele CA375256171.

ClinVar aggregate classification (germline): Uncertain significance. Review status: criteria provided, multiple submitters, no conflicts (2 of 4 stars). 2 submissions from 2 submitters: Uncertain significance (2). Last evaluated 2025-12-16.

Conditions:
ABL1-related disorder. Also called: ABL1-related condition.

Allele frequency attached by ClinVar (database versions not stated): TOPMed below 0.00001; gnomAD 0.00001.
gnomAD v4.1: 1 of 1,612,730 alleles (0.000062%); highest among the groups gnomAD compares: Non-Finnish European, 0.000085%; no homozygotes.

Submissions (2):

PreventionGenetics, part of Exact Sciences
Classification: Uncertain significance for ABL1-related condition. Last evaluated: 2025-12-16. Review status: criteria provided, single submitter. Criteria: ACMG Guidelines, 2015. Collection method: clinical testing. Allele origin: germline.
Comment: The ABL1 c.2456A>G variant is predicted to result in the amino acid substitution p.Asp819Gly. To our knowledge, this variant has not been reported in the literature or in a large population database (gnomAD), indicating this variant is rare. At this time, the clinical significance of this variant is uncertain due to the absence of conclusive functional and genetic evidence.

Labcorp Genetics (formerly Invitae), Labcorp
Classification: Uncertain significance. Last evaluated: 2022-10-09. Review status: criteria provided, single submitter. Criteria: Invitae Variant Classification Sherloc (09022015). Collection method: clinical testing. Allele origin: germline.
Comment: This sequence change replaces aspartic acid, which is acidic and polar, with glycine, which is neutral and non-polar, at codon 819 of the ABL1 protein (p.Asp819Gly). This variant is not present in population databases (gnomAD no frequency). This variant has not been reported in the literature in individuals affected with ABL1-related conditions. Advanced modeling of protein sequence and biophysical properties (such as structural, functional, and spatial information, amino acid conservation, physicochemical variation, residue mobility, and thermodynamic stability) performed at Invitae indicates that this missense variant is not expected to disrupt ABL1 protein function. In summary, the available evidence is currently insufficient to determine the role of this variant in disease. Therefore, it has been classified as a Variant of Uncertain Significance.